The following is an entry in ClinVar:

NM_006612.6(KIF1C):c.2512G>T (p.Asp838Tyr)

Gene: KIF1C (kinesin family member 1C; plus strand). Cytogenetic location: 17p13.2.
Variant type: single nucleotide variant.
Coding change: c.2512G>T on transcript NM_006612.6 (MANE Select); coding-DNA position 2512, G replaced by T.
Protein change: p.Asp838Tyr; replaces aspartic acid 838 with tyrosine.
Molecular consequence: missense variant.
Genome position (GRCh38, 1-based): chr17:5,022,593, G>T. VCF-style: chr17-5022593-G-T. GRCh37 (hg19) VCF-style: chr17-4925888-G-T.
Other names: c.2512G>T (NM_006612.5); short protein forms D838Y.
Identifiers: ClinVar variation 2152637 (VCV002152637.5), dbSNP rs139084469, ClinGen allele CA397315250.

ClinVar aggregate classification (germline): Uncertain significance. Review status: criteria provided, multiple submitters, no conflicts (2 of 4 stars). 2 submissions from 2 submitters: Uncertain significance (2). Last evaluated 2025-05-19.

Conditions:
Inborn genetic diseases. Identifiers: MedGen C0950123, MeSH D030342.
Spastic ataxia 2. Also called: Ataxia, spastic, 2, autosomal recessive. Identifiers: Orphanet 397946, MedGen C1969796, MONDO:0012651, OMIM 611302.

gnomAD v4.1: 4 of 1,603,318 alleles (0.00025%); highest among the groups gnomAD compares: East Asian, 0.0067%; no homozygotes.

Submissions (2):

Labcorp Genetics (formerly Invitae), Labcorp
Classification: Uncertain significance for Spastic ataxia 2. Last evaluated: 2025-05-19. Review status: criteria provided, single submitter. Criteria: Invitae Variant Classification Sherloc (09022015). Collection method: clinical testing. Allele origin: germline.
Comment: This sequence change replaces aspartic acid, which is acidic and polar, with tyrosine, which is neutral and polar, at codon 838 of the KIF1C protein (p.Asp838Tyr). The frequency data for this variant in the population databases is considered unreliable, as metrics indicate poor data quality at this position in the gnomAD database. This variant has not been reported in the literature in individuals affected with KIF1C-related conditions. ClinVar contains an entry for this variant (Variation ID: 2152637). An algorithm developed to predict the effect of missense changes on protein structure and function (PolyPhen-2) suggests that this variant is likely to be disruptive. In summary, the available evidence is currently insufficient to determine the role of this variant in disease. Therefore, it has been classified as a Variant of Uncertain Significance.

Ambry Genetics
Classification: Uncertain significance for Inborn genetic diseases. Last evaluated: 2024-03-15. Review status: criteria provided, single submitter. Criteria: Ambry Variant Classification Scheme 2023. Collection method: clinical testing. Allele origin: germline.